The following is an entry in ClinVar:

ClinVar aggregate classification (germline): Uncertain significance (1 of 4 stars; one submission).

Allele frequency attached by ClinVar (database versions not stated): gnomAD exomes below 0.00001; gnomAD 0.00001.
gnomAD v4.1: 6 of 1,614,066 alleles (0.00037%); highest among the groups gnomAD compares: African/African-American, 0.0013%; no homozygotes.

Submission:

Ambry Genetics
Classification: Uncertain significance. Last evaluated: 2024-05-10. Review status: criteria provided, single submitter. Criteria: Ambry Variant Classification Scheme 2023. Collection method: clinical testing. Allele origin: germline.
Comment: The p.H258Y variant (also known as c.772C>T), located in coding exon 6 of the NQO1 gene, results from a C to T substitution at nucleotide position 772. The histidine at codon 258 is replaced by tyrosine, an amino acid with similar properties. This amino acid position is conserved. In addition, this alteration is predicted to be tolerated by in silico analysis. Since supporting evidence is limited at this time, the clinical significance of this alteration remains unclear.

NM_000903.3(NQO1):c.772C>T (p.His258Tyr)

Gene: NQO1 (NAD(P)H quinone dehydrogenase 1; minus strand). Cytogenetic location: 16q22.1.
Variant type: single nucleotide variant.
Coding change: c.772C>T on transcript NM_000903.3 (MANE Select); coding-DNA position 772, C replaced by T.
Protein change: p.His258Tyr; replaces histidine 258 with tyrosine.
Molecular consequence: missense variant.
Genome position (GRCh38, 1-based): chr16:69,711,029, G>A on the plus strand (C>T on the coding strand, the complement: NQO1 is on the minus strand). VCF-style: chr16-69711029-G-A. GRCh37 (hg19) VCF-style: chr16-69744932-G-A.
Other names: c.670C>T, p.His224Tyr (NM_001025433.2); c.658C>T, p.His220Tyr (NM_001025434.2); c.556C>T, p.His186Tyr (NM_001286137.2); short protein forms H186Y, H220Y, H224Y, H258Y.
Identifiers: ClinVar variation 1760347 (VCV001760347.3), dbSNP rs1283304541, ClinGen allele CA396487402.